The following is an entry in ClinVar:

ClinVar aggregate classification (germline): Uncertain significance (1 of 4 stars; one submission).

Submission:

GeneDx
Classification: Uncertain significance. Last evaluated: 2023-11-15. Review status: criteria provided, single submitter. Criteria: GeneDx Variant Classification Process June 2021. Collection method: clinical testing. Allele origin: germline. Affected: yes.
Comment: Not observed at significant frequency in large population cohorts (gnomAD); In silico analysis supports that this missense variant has a deleterious effect on protein structure/function; Has not been previously published as pathogenic or benign to our knowledge

NM_004493.3(HSD17B10):c.209A>G (p.Asp70Gly)

Gene: HSD17B10 (hydroxysteroid 17-beta dehydrogenase 10; minus strand). Cytogenetic location: Xp11.22.
Variant type: single nucleotide variant.
Coding change: c.209A>G on transcript NM_004493.3 (MANE Select); coding-DNA position 209, A replaced by G.
Protein change: p.Asp70Gly; replaces aspartic acid 70 with glycine.
Molecular consequence: missense variant.
Genome position (GRCh38, 1-based): chrX:53,432,395, T>C on the plus strand (A>G on the coding strand, the complement: HSD17B10 is on the minus strand). VCF-style: chrX-53432395-T-C. GRCh37 (hg19) VCF-style: chrX-53459343-T-C.
Other names: c.209A>G, p.Asp70Gly (NM_001037811.2); short protein forms D70G.
Identifiers: ClinVar variation 3364259 (VCV003364259.1).